The following is an entry in ClinVar:

NM_138713.4(NFAT5):c.1777A>G (p.Met593Val)

Gene: NFAT5 (nuclear factor of activated T cells 5; plus strand). Cytogenetic location: 16q22.1.
Variant type: single nucleotide variant.
Coding change: c.1777A>G on transcript NM_138713.4 (MANE Select); coding-DNA position 1777, A replaced by G.
Protein change: p.Met593Val; replaces methionine 593 with valine.
Molecular consequence: missense variant.
Genome position (GRCh38, 1-based): chr16:69,690,942, A>G. VCF-style: chr16-69690942-A-G. GRCh37 (hg19) VCF-style: chr16-69724845-A-G.
Other names: c.1777A>G, p.Met593Val (LRG_1332t1); c.1774A>G, p.Met592Val (NM_001113178.3); c.1102A>G, p.Met368Val (NM_001367709.1); c.1723A>G, p.Met575Val (NM_006599.4); c.1495A>G, p.Met499Val (NM_138714.4, NM_173214.3, NM_173215.3); c.1777A>G (NM_138713.3); short protein forms M499V, M593V, M368V, M575V, M592V.
Identifiers: ClinVar variation 526775 (VCV000526775.12), dbSNP rs182069051, ClinGen allele CA8135660.

ClinVar aggregate classification (germline): Uncertain significance. Review status: criteria provided, multiple submitters, no conflicts (2 of 4 stars). 2 submissions from 2 submitters: Uncertain significance (2). Last evaluated 2025-11-23.

Conditions:
Immunodeficiency. Identifiers: MedGen C0021051, MONDO:0021094, HP:0002721.

Allele frequency attached by ClinVar (database versions not stated): gnomAD exomes 0.00001 and 0.00002; ExAC 0.00003; gnomAD 0.00004 and 0.00006; TOPMed 0.00004; ESP Exome Variant Server 0.00008; 1000 Genomes Project 0.00020; 1000 Genomes Project 30x 0.00031.
gnomAD v4.1: 32 of 1,532,454 alleles (0.0021%); highest among the groups gnomAD compares: African/African-American, 0.0056%; no homozygotes.

Submissions (2):

Labcorp Genetics (formerly Invitae), Labcorp
Classification: Uncertain significance for Immunodeficiency. Last evaluated: 2025-11-23. Review status: criteria provided, single submitter. Criteria: Invitae Variant Classification Sherloc (09022015). Collection method: clinical testing. Allele origin: germline.
Comment: This sequence change replaces methionine, which is neutral and non-polar, with valine, which is neutral and non-polar, at codon 499 of the NFAT5 protein (p.Met499Val). This variant is present in population databases (rs182069051, gnomAD 0.005%). This variant has not been reported in the literature in individuals affected with NFAT5-related conditions. ClinVar contains an entry for this variant (Variation ID: 526775). An algorithm developed to predict the effect of missense changes on protein structure and function (PolyPhen-2) suggests that this variant is likely to be tolerated. Algorithms developed to predict the effect of sequence changes on RNA splicing suggest that this variant may create or strengthen a splice site. In summary, the available evidence is currently insufficient to determine the role of this variant in disease. Therefore, it has been classified as a Variant of Uncertain Significance.

Ambry Genetics
Classification: Uncertain significance. Last evaluated: 2025-06-22. Review status: criteria provided, single submitter. Criteria: Ambry Variant Classification Scheme 2023. Collection method: clinical testing. Allele origin: germline.